The following is an entry in ClinVar:

NM_001377.3(DYNC2H1):c.1953G>A (p.Lys651=)

Gene: DYNC2H1 (dynein cytoplasmic 2 heavy chain 1; plus strand). Cytogenetic location: 11q22.3.
Variant type: single nucleotide variant.
Coding change: c.1953G>A on transcript NM_001377.3 (MANE Select); coding-DNA position 1953, G replaced by A.
Protein change: p.Lys651=; no amino-acid change (lysine 651 retained).
Molecular consequence: synonymous variant.
Genome position (GRCh38, 1-based): chr11:103,129,005, G>A. VCF-style: chr11-103129005-G-A. GRCh37 (hg19) VCF-style: chr11-102999734-G-A.
Other names: c.1953G>A, p.Lys651= (NM_001080463.2).
Identifiers: ClinVar variation 437419 (VCV000437419.7), dbSNP rs1178331074, ClinGen allele CA476608713.
Genomic context (GRCh38, chr11:103,129,005, plus strand): 5'-GATTCAAAGTCAGAGGCCAATGATGTTACAATCTGCCTTAGCATTTGAACAGATAATTAA[G>A]GTAAATGGGCTTTTAATTTTATTATAATTAGATTTTACATGTGAAGTGTTTAATTCTTAA-3'
Protein context (NP_001368.2, residues 641-661): QSALAFEQII[Lys651=]NSKAGSGGKS

ClinVar aggregate classification (germline): Conflicting classifications of pathogenicity. Review status: criteria provided, conflicting classifications (1 of 4 stars). 5 submissions from 5 submitters: Pathogenic (2); Uncertain significance (1). 2 of the submissions do not count toward it. Last evaluated 2023-09-06.

Conditions:
Asphyxiating thoracic dystrophy 3. Also called: SHORT-RIB THORACIC DYSPLASIA 3 WITH OR WITHOUT POLYDACTYLY; Saldino-Noonan Syndrome; POLYDACTYLY WITH NEONATAL CHONDRODYSTROPHY, TYPE I; SHORT-RIB THORACIC DYSPLASIA 3/6 WITH POLYDACTYLY, DIGENIC; Short rib polydactyly syndrome 2B. Identifiers: Orphanet 474, Orphanet 93269, Orphanet 93270, Orphanet 93271, MedGen C0036069, MONDO:0013127, OMIM 613091.
Jeune thoracic dystrophy. Also called: Jeune syndrome; Infantile thoracic dystrophy; Thoracic pelvic phalangeal dystrophy; Jeune's syndrome; Chondroectodermal dysplasia-like syndrome; Short-rib thoracic dysplasia. Identifiers: Orphanet 474, MedGen C0265275, MONDO:0018770.

Allele frequency attached by ClinVar (database versions not stated): gnomAD exomes below 0.00001.
gnomAD v4.1: 7 of 1,595,028 alleles (0.00044%); highest among the groups gnomAD compares: Non-Finnish European, 0.00051%; no homozygotes.

Submissions (5):

Labcorp Genetics (formerly Invitae), Labcorp
Classification: Pathogenic for Jeune thoracic dystrophy. Last evaluated: 2023-09-06. Review status: criteria provided, single submitter. Criteria: Invitae Variant Classification Sherloc (09022015). Collection method: clinical testing. Allele origin: germline.
Comment: For these reasons, this variant has been classified as Pathogenic. Variants that disrupt the consensus splice site are a relatively common cause of aberrant splicing (PMID: 17576681, 9536098). Algorithms developed to predict the effect of sequence changes on RNA splicing suggest that this variant may disrupt the consensus splice site. ClinVar contains an entry for this variant (Variation ID: 437419). This variant has been observed in individual(s) with short-rib polydactyly syndrome or asphyxiating thoracic dystrophy (PMID: 23456818, 27353043, 29068549). In at least one individual the data is consistent with being in trans (on the opposite chromosome) from a pathogenic variant. This variant is present in population databases (no rsID available, gnomAD 0.0009%). This sequence change affects codon 651 of the DYNC2H1 mRNA. It is a 'silent' change, meaning that it does not change the encoded amino acid sequence of the DYNC2H1 protein. This variant also falls at the last nucleotide of exon 13, which is part of the consensus splice site for this exon.

GeneDx
Classification: Uncertain significance. Last evaluated: 2020-10-06. Review status: criteria provided, single submitter. Criteria: GeneDx Variant Classification Process June 2021. Collection method: clinical testing. Allele origin: germline. Affected: yes.
Comment: Not observed at a significant frequency in large population cohorts (Lek et al., 2016); In-silico analysis, which includes splice predictors and evolutionary conservation, is inconclusive as to whether the variant alters gene splicing. In the absence of RNA/functional studies, the actual effect of this sequence change is unknown.; This variant is associated with the following publications: (PMID: 29068549, 23456818, 27353043)

Center of Genomic medicine, Geneva, University Hospital of Geneva
Classification: Pathogenic for Asphyxiating thoracic dystrophy 3. Last evaluated: 2015-02-24. Review status: criteria provided, single submitter. Criteria: MacArthur et al. (Nature 2014). Collection method: clinical testing. Allele origin: maternal. Affected: yes.

Dan Cohn Lab, University Of California Los Angeles
Classification: Pathogenic for Asphyxiating thoracic dystrophy. Last evaluated: 2017-06-01. Review status: no assertion criteria provided. Collection method: research. Allele origin: maternal. Affected: yes. Not counted in ClinVar's aggregate classification.

University of Washington Center for Mendelian Genomics, University of Washington
Classification: Likely pathogenic for asphyxiating thoracic dystrophy. Review status: no assertion criteria provided. Collection method: research. Allele origin: inherited. Affected: yes. Not counted in ClinVar's aggregate classification.

Literature cited by the submitters: PubMed 17576681 (cited by Labcorp Genetics (formerly Invitae), Labcorp); PubMed 9536098 (cited by Labcorp Genetics (formerly Invitae), Labcorp); PubMed 23456818 (cited by Labcorp Genetics (formerly Invitae), Labcorp); PubMed 27353043 (cited by Labcorp Genetics (formerly Invitae), Labcorp); PubMed 29068549 (cited by 3 submitters).